The following is an entry in ClinVar:

ClinVar aggregate classification (germline): Likely benign (1 of 4 stars; one submission).

Conditions:
MELAS syndrome (MELAS). Also called: Juvenile myopathy, encephalopathy, lactic acidosis, stroke. Identifiers: Orphanet 550, MedGen C0162671, MONDO:0010789, OMIM 540000.

Submission:

Wong Mito Lab, Molecular and Human Genetics, Baylor College of Medicine
Classification: Likely benign for MELAS syndrome. Last evaluated: 2019-07-12. Review status: criteria provided, single submitter. Criteria: Modified ACMG Guidelines (Unpublished). Collection method: clinical testing. Allele origin: germline.
Comment: The NC_012920.1:m.7460A>G variant in MT-TS1 gene is interpreted to be a Likely Benign variant based on the modified ACMG guidelines (unpublished). This variant meets the following evidence codes reported in the guidelines: BS4, BP4, BP6

Literature cited by the submitters: PubMed 31965079.

NC_012920.1(MT-TS1):m.7460A>G

Gene: MT-TS1 (mitochondrially encoded tRNA serine 1 (UCN); minus strand).
Variant type: single nucleotide variant.
Genome position: chrM-7460-A-G.
Identifiers: ClinVar variation 690026 (VCV000690026.1), dbSNP rs1603220969, ClinGen allele CA913177101.